The following is an entry in ClinVar:

ClinVar aggregate classification (germline): Uncertain significance (1 of 4 stars; one submission).

Conditions:
Inborn genetic diseases. Identifiers: MedGen C0950123, MeSH D030342.

gnomAD v4.1: 31 of 1,613,700 alleles (0.0019%); highest among the groups gnomAD compares: Non-Finnish European, 0.0026%; no homozygotes.

Submission:

Ambry Genetics
Classification: Uncertain significance for Inborn genetic diseases. Last evaluated: 2026-04-22. Review status: criteria provided, single submitter. Criteria: Ambry Variant Classification Scheme 2023. Collection method: clinical testing. Allele origin: germline.
Comment: The c.2528G>C (p.C843S) alteration is located in exon 16 (coding exon 16) of the CHD5 gene. This alteration results from a G to C substitution at nucleotide position 2528, causing the cysteine (C) at amino acid position 843 to be replaced by a serine (S). Based on data from gnomAD, the C allele has an overall frequency of 0.001% (2/250784) total alleles studied. The highest observed frequency was 0.002% (2/113298) of European (non-Finnish) alleles. Based on insufficient or conflicting evidence, the clinical significance of this alteration remains unclear.

NM_015557.3(CHD5):c.2528G>C (p.Cys843Ser)

Gene: CHD5 (chromodomain helicase DNA binding protein 5; minus strand). Cytogenetic location: 1p36.31.
Variant type: single nucleotide variant.
Coding change: c.2528G>C on transcript NM_015557.3 (MANE Select); coding-DNA position 2528, G replaced by C.
Protein change: p.Cys843Ser; replaces cysteine 843 with serine.
Molecular consequence: missense variant.
Genome position (GRCh38, 1-based): chr1:6,136,774, C>G on the plus strand (G>C on the coding strand, the complement: CHD5 is on the minus strand). VCF-style: chr1-6136774-C-G. GRCh37 (hg19) VCF-style: chr1-6196834-C-G.
Other names: short protein forms C843S.
Identifiers: ClinVar variation 4868891 (VCV004868891.1).